The following is an entry in ClinVar:

ClinVar aggregate classification (germline): Likely pathogenic (1 of 4 stars; one submission).

Submission:

Dasa
Classification: Likely pathogenic. Last evaluated: 2025-11-03. Review status: criteria provided, single submitter. Criteria: DASA Assertion Criteria. Collection method: clinical testing. Allele origin: germline.
Comment: NM_000088.4(COL1A1):c.4270A>T (p.Lys1424*) introduces a premature termination codon predicted to result in loss of normal protein function. Loss-of-function is an established mechanism of disease for this gene. Based on the available data, this variant is classified as likely pathogenic.

NM_000088.4(COL1A1):c.4270A>T (p.Lys1424Ter)

Gene: COL1A1 (collagen type I alpha 1 chain; minus strand). Cytogenetic location: 17q21.33.
Variant type: single nucleotide variant.
Coding change: c.4270A>T on transcript NM_000088.4 (MANE Select); coding-DNA position 4270, A replaced by T.
Protein change: p.Lys1424Ter; replaces lysine 1424 with a stop codon.
Molecular consequence: nonsense.
Genome position (GRCh38, 1-based): chr17:50,185,627, T>A on the plus strand (A>T on the coding strand, the complement: COL1A1 is on the minus strand). VCF-style: chr17-50185627-T-A. GRCh37 (hg19) VCF-style: chr17-48262988-T-A.
Other names: short protein forms K1424*.
Identifiers: ClinVar variation 4851867 (VCV004851867.1).